The following is an entry in ClinVar:

ClinVar aggregate classification (germline): Uncertain significance. Review status: criteria provided, multiple submitters, no conflicts (2 of 4 stars). 2 submissions from 2 submitters: Uncertain significance (2). Last evaluated 2023-08-09.

Conditions:
Cardiomyopathy (CMYO). Also called: Cardiomyopathies. Identifiers: Orphanet 167848, MedGen C0878544, MONDO:0004994, HP:0001638. Inheritance: Various modes of inheritance.
Cardiovascular phenotype. Identifiers: MedGen CN230736.

Allele frequency attached by ClinVar (database versions not stated): gnomAD exomes below 0.00001 and 0.00001; gnomAD 0.00001; ExAC 0.00002; 1000 Genomes Project 0.00040; 1000 Genomes Project 30x 0.00047.
gnomAD v4.1: 6 of 1,613,684 alleles (0.00037%); highest among the groups gnomAD compares: East Asian, 0.0045%; no homozygotes.

Submissions (2):

Ambry Genetics
Classification: Uncertain significance for Cardiovascular phenotype. Last evaluated: 2023-08-09. Review status: criteria provided, single submitter. Criteria: Ambry Variant Classification Scheme 2023. Collection method: clinical testing. Allele origin: germline.
Comment: The p.R2267C variant (also known as c.6799C>T), located in coding exon 45 of the RYR2 gene, results from a C to T substitution at nucleotide position 6799. The arginine at codon 2267 is replaced by cysteine, an amino acid with highly dissimilar properties. This amino acid position is not well conserved in available vertebrate species. In addition, the in silico prediction for this alteration is inconclusive. Since supporting evidence is limited at this time, the clinical significance of this alteration remains unclear.

Color Diagnostics, LLC DBA Color Health
Classification: Uncertain significance for Cardiomyopathy. Last evaluated: 2019-10-08. Review status: criteria provided, single submitter. Criteria: ACMG Guidelines, 2015. Collection method: clinical testing. Allele origin: germline.
Comment: This missense variant replaces arginine with cysteine at codon 2267 of the RYR2 protein. Computational prediction suggests that this variant may have deleterious impact on protein structure and function (internally defined REVEL score threshold >= 0.7, PMID: 27666373). Splice site prediction tools suggest that this variant may not impact RNA splicing. To our knowledge, functional studies have not been performed for this variant. This variant has not been reported in individuals affected with cardiovascular disorders in the literature. This variant has been identified in 2/248996 chromosomes in the general population by the Genome Aggregation Database (gnomAD). The available evidence is insufficient to determine the role of this variant in disease conclusively. Therefore, this variant is classified as a Variant of Uncertain Significance.

NM_001035.3(RYR2):c.6799C>T (p.Arg2267Cys)

Gene: RYR2 (ryanodine receptor 2; plus strand). Cytogenetic location: 1q43.
Variant type: single nucleotide variant.
Coding change: c.6799C>T on transcript NM_001035.3 (MANE Select); coding-DNA position 6799, C replaced by T.
Protein change: p.Arg2267Cys; replaces arginine 2267 with cysteine.
Molecular consequence: missense variant.
Genome position (GRCh38, 1-based): chr1:237,638,363, C>T. VCF-style: chr1-237638363-C-T. GRCh37 (hg19) VCF-style: chr1-237801663-C-T.
Other names: c.6799C>T, p.Arg2267Cys (LRG_402t1); short protein forms R2267C.
Identifiers: ClinVar variation 629390 (VCV000629390.6), dbSNP rs554220274, ClinGen allele CA087227.